The following is an entry in ClinVar:

NM_014363.6(SACS):c.4697T>C (p.Ile1566Thr)

Gene: SACS (sacsin molecular chaperone; minus strand). Cytogenetic location: 13q12.12.
Variant type: single nucleotide variant.
Coding change: c.4697T>C on transcript NM_014363.6 (MANE Select); coding-DNA position 4697, T replaced by C.
Protein change: p.Ile1566Thr; replaces isoleucine 1566 with threonine.
Molecular consequence: missense variant.
Genome position (GRCh38, 1-based): chr13:23,339,179, A>G on the plus strand (T>C on the coding strand, the complement: SACS is on the minus strand). VCF-style: chr13-23339179-A-G. GRCh37 (hg19) VCF-style: chr13-23913318-A-G.
Other names: c.4256T>C, p.Ile1419Thr (NM_001278055.2); short protein forms I1566T, I1419T.
Identifiers: ClinVar variation 3571658 (VCV003571658.1).
Genomic context (GRCh38, chr13:23,339,179, plus strand): 5'-TTTATGTTTGGATCGAACATTATCATGAATTCCCGACTCATAATGATGGGAATGTCAGTG[A>G]TATGGTACACAGAATTAAATCCAAGACCAAATTTTCCAACTTTGTCAACTTCTCCCCTTT-3'
Protein context (NP_055178.3, residues 1556-1576): FGLGFNSVYH[Ile1566Thr]TDIPIIMSRE

ClinVar aggregate classification (germline): Uncertain significance (1 of 4 stars; one submission).

Submission:

Athena Diagnostics
Classification: Uncertain significance. Last evaluated: 2024-02-19. Review status: criteria provided, single submitter. Criteria: Athena Diagnostics Criteria. Collection method: clinical testing. Allele origin: unknown.
Comment: Available data are insufficient to determine the clinical significance of the variant at this time. This variant has not been reported in large, multi-ethnic general populations. Computational tools predict that this variant is not damaging.